The following is an entry in ClinVar:

ClinVar aggregate classification (germline): Uncertain significance. Review status: criteria provided, multiple submitters, no conflicts (2 of 4 stars). 3 submissions from 3 submitters: Uncertain significance (3). Last evaluated 2025-05-01.

Conditions:
Cardiovascular phenotype. Identifiers: MedGen CN230736.

Allele frequency attached by ClinVar (database versions not stated): gnomAD exomes 0.00001; TOPMed 0.00001.
gnomAD v4.1: 9 of 1,550,146 alleles (0.00058%); highest among the groups gnomAD compares: Non-Finnish European, 0.0007%; no homozygotes.

Submissions (3):

Ambry Genetics
Classification: Uncertain significance for Cardiovascular phenotype. Last evaluated: 2025-05-01. Review status: criteria provided, single submitter. Criteria: Ambry Variant Classification Scheme 2023. Collection method: clinical testing. Allele origin: germline.

Labcorp Genetics (formerly Invitae), Labcorp
Classification: Uncertain significance. Last evaluated: 2023-12-04. Review status: criteria provided, single submitter. Criteria: Invitae Variant Classification Sherloc (09022015). Collection method: clinical testing. Allele origin: germline.
Comment: This sequence change replaces aspartic acid, which is acidic and polar, with valine, which is neutral and non-polar, at codon 2196 of the ZNF469 protein (p.Asp2196Val). This variant is not present in population databases (gnomAD no frequency). This variant has not been reported in the literature in individuals affected with ZNF469-related conditions. ClinVar contains an entry for this variant (Variation ID: 1754329). An algorithm developed to predict the effect of missense changes on protein structure and function (PolyPhen-2) suggests that this variant is likely to be tolerated. In summary, the available evidence is currently insufficient to determine the role of this variant in disease. Therefore, it has been classified as a Variant of Uncertain Significance.

GeneDx
Classification: Uncertain significance. Last evaluated: 2023-09-01. Review status: criteria provided, single submitter. Criteria: GeneDx Variant Classification Process June 2021. Collection method: clinical testing. Allele origin: germline. Affected: yes.
Comment: Has not been previously published as pathogenic or benign to our knowledge; Not observed at significant frequency in large population cohorts (gnomAD); In silico analysis supports that this missense variant does not alter protein structure/function

NM_001367624.2(ZNF469):c.6671A>T (p.Asp2224Val)

Gene: ZNF469 (zinc finger protein 469; plus strand). Cytogenetic location: 16q24.2.
Variant type: single nucleotide variant.
Coding change: c.6671A>T on transcript NM_001367624.2 (MANE Select); coding-DNA position 6671, A replaced by T.
Protein change: p.Asp2224Val; replaces aspartic acid 2224 with valine.
Molecular consequence: missense variant.
Genome position (GRCh38, 1-based): chr16:88,434,141, A>T. VCF-style: chr16-88434141-A-T. GRCh37 (hg19) VCF-style: chr16-88500549-A-T.
Other names: NM_001127464.1:c.6587A>T; short protein forms D2224V.
Identifiers: ClinVar variation 1754329 (VCV001754329.9), dbSNP rs1597211489, ClinGen allele CA397106444.